The following is an entry in ClinVar:

ClinVar aggregate classification (germline): Uncertain significance. Review status: criteria provided, multiple submitters, no conflicts (2 of 4 stars). 3 submissions from 3 submitters: Uncertain significance (3). Last evaluated 2021-12-01.

Conditions:
EPILEPSY, CHILDHOOD ABSENCE, SUSCEPTIBILITY TO, 2 (ECA2). Identifiers: Orphanet 64280, MedGen C1843244, OMIM 607681.
Febrile seizures, familial, 8 (FEB8). Also called: CONVULSIONS, FAMILIAL FEBRILE, 8. Identifiers: Orphanet 36387, MedGen C1969810, MONDO:0011891, OMIM 607681.

Allele frequency attached by ClinVar (database versions not stated): gnomAD exomes below 0.00001.
gnomAD v4.1: 3 of 1,613,974 alleles (0.00019%); highest among the groups gnomAD compares: Non-Finnish European, 0.00025%; no homozygotes.

Submissions (3):

CeGaT Center for Human Genetics Tuebingen
Classification: Uncertain significance. Last evaluated: 2021-12-01. Review status: criteria provided, single submitter. Criteria: CeGaT Center For Human Genetics Tuebingen Variant Classification Criteria Version 2. Collection method: clinical testing. Allele origin: germline. Affected: yes. Observed: 2 variant alleles.

Fulgent Genetics
Classification: Uncertain significance for Febrile seizures, familial, 8. Last evaluated: 2018-10-31. Review status: criteria provided, single submitter. Criteria: ACMG Guidelines, 2015. Collection method: clinical testing. Allele origin: unknown.

GeneDx
Classification: Uncertain significance. Last evaluated: 2018-01-25. Review status: criteria provided, single submitter. Criteria: GeneDx Variant Classification (06012015). Collection method: clinical testing. Allele origin: germline. Affected: yes.
Comment: p.Lys371Thr (AAA>ACA): c.1112 A>C in exon 8 of the GABRG2 gene (NM_000816.3) The K371T variant has not been published as a mutation, nor has it been reported as a benign polymorphism to our knowledge. It was not observed in approximately 6,500 individuals of European and African American ancestry in the NHLBI Exome Sequencing Project, indicating it is not a common benign variant in these populations. The K371T variant is a semi-conservative amino acid substitution, which may impact secondary protein structure as these residues differ in some properties. This substitution alters a conserved position in the cytoplasmic loop between the third and fourth transmembrane domains of the GABRG2 protein (MacDonald et al., 2010), and a missense mutation in a nearby residue (R363Q) has been reported in association with epilepsy. However, in silico analysis is inconsistent in its predictions as to whether or not the variant is damaging to the protein structure/function. Therefore, based on the currently available information, it is unclear whether this variant is a pathogenic mutation or a rare benign variant. The variant is found in INFANT-EPI panel(s).

NM_198904.4(GABRG2):c.1112A>C (p.Lys371Thr)

Gene: GABRG2 (gamma-aminobutyric acid type A receptor subunit gamma2; plus strand). Cytogenetic location: 5q34.
Variant type: single nucleotide variant.
Coding change: c.1112A>C on transcript NM_198904.4 (MANE Select); coding-DNA position 1112, A replaced by C.
Protein change: p.Lys371Thr; replaces lysine 371 with threonine.
Molecular consequence: missense variant. On other transcripts: intron variant (1).
Genome position (GRCh38, 1-based): chr5:162,149,297, A>C. VCF-style: chr5-162149297-A-C. GRCh37 (hg19) VCF-style: chr5-161576303-A-C.
Other names: p.K371T:AAA>ACA; c.1112A>C, p.Lys371Thr (NM_000816.3); c.1103A>C, p.Lys368Thr (NM_001375339.1); c.1109A>C, p.Lys370Thr (NM_001375341.1, NM_001375342.1); c.1232A>C, p.Lys411Thr (NM_001375343.1, NM_198903.2); c.1151A>C, p.Lys384Thr (NM_001375344.1); c.1046A>C, p.Lys349Thr (NM_001375345.1, NM_001375346.1); c.1025A>C, p.Lys342Thr (NM_001375347.1); and 3 more; short protein forms K371T, K411T, K231T, K276T, K342T, K349T, K368T, K370T.
Identifiers: ClinVar variation 205553 (VCV000205553.38), dbSNP rs796052512, ClinGen allele CA314744.
Genomic context (GRCh38, chr5:162,149,297, plus strand): 5'-TGGAGTATGGCACCTTGCATTATTTTGTCAGCAACCGGAAACCAAGCAAGGACAAAGATA[A>C]AAAGAAGAAAAACCCTGTATGTATCATTTTCCATTGGCACCATTGAAATTTTTATGATTT-3'
Protein context (NP_944494.1, residues 361-381): SNRKPSKDKD[Lys371Thr]KKKNPLLRMF